The following is an entry in ClinVar:

ClinVar aggregate classification (germline): Uncertain significance. Review status: criteria provided, multiple submitters, no conflicts (2 of 4 stars). 2 submissions from 2 submitters: Uncertain significance (2). Last evaluated 2024-07-16.

Allele frequency attached by ClinVar (database versions not stated): ExAC 0.00001; gnomAD 0.00007; TOPMed 0.00007.

Submissions (2):

Ambry Genetics
Classification: Uncertain significance. Last evaluated: 2024-07-16. Review status: criteria provided, single submitter. Criteria: Ambry Variant Classification Scheme 2023. Collection method: clinical testing. Allele origin: germline.

Labcorp Genetics (formerly Invitae), Labcorp
Classification: Uncertain significance. Last evaluated: 2022-09-24. Review status: criteria provided, single submitter. Criteria: Invitae Variant Classification Sherloc (09022015). Collection method: clinical testing. Allele origin: germline.
Comment: This sequence change replaces histidine, which is basic and polar, with tyrosine, which is neutral and polar, at codon 371 of the PNLIP protein (p.His371Tyr). This variant is present in population databases (rs772254064, gnomAD 0.003%). This variant has not been reported in the literature in individuals affected with PNLIP-related conditions. Advanced modeling of protein sequence and biophysical properties (such as structural, functional, and spatial information, amino acid conservation, physicochemical variation, residue mobility, and thermodynamic stability) performed at Invitae indicates that this missense variant is not expected to disrupt PNLIP protein function. In summary, the available evidence is currently insufficient to determine the role of this variant in disease. Therefore, it has been classified as a Variant of Uncertain Significance.

NM_000936.4(PNLIP):c.1111C>T (p.His371Tyr)

Gene: PNLIP (pancreatic lipase; plus strand). Cytogenetic location: 10q25.3.
Variant type: single nucleotide variant.
Coding change: c.1111C>T on transcript NM_000936.4 (MANE Select); coding-DNA position 1111, C replaced by T.
Protein change: p.His371Tyr; replaces histidine 371 with tyrosine.
Molecular consequence: missense variant.
Genome position (GRCh38, 1-based): chr10:116,560,466, C>T. VCF-style: chr10-116560466-C-T. GRCh37 (hg19) VCF-style: chr10-118319978-C-T.
Other names: c.1111C>T (NM_000936.2); short protein forms H371Y.
Identifiers: ClinVar variation 2183370 (VCV002183370.2), dbSNP rs772254064, ClinGen allele CA5706694.
Genomic context (GRCh38, chr10:116,560,466, plus strand): 5'-TCCCTTGCAGGTTGGAGGTATAAGGTATCTGTCACACTGTCTGGAAAAAAGGTTACAGGA[C>T]ACATACTAGTTTCTTTGTTCGGAAATAAAGGAAACTCTAAGCAGTATGAAATTTTCAAGT-3'
Protein context (NP_000927.1, residues 361-381): VTLSGKKVTG[His371Tyr]ILVSLFGNKG